The following is an entry in ClinVar:

ClinVar aggregate classification (germline): Likely benign. Review status: criteria provided, multiple submitters, no conflicts (2 of 4 stars). 3 submissions from 3 submitters: Likely benign (2). 1 of the submissions does not count toward it. Last evaluated 2024-11-01.

Conditions:
TARS2-related disorder. Also called: TARS2-related condition.

Allele frequency attached by ClinVar (database versions not stated): gnomAD exomes 0.00001 and 0.00002; ExAC 0.00002; TOPMed 0.00006; gnomAD 0.00007 and 0.00008.
gnomAD v4.1: 27 of 1,612,662 alleles (0.0017%); highest among the groups gnomAD compares: Middle Eastern, 0.033%; no homozygotes.

Submissions (3):

Labcorp Genetics (formerly Invitae), Labcorp
Classification: Likely benign. Last evaluated: 2024-11-01. Review status: criteria provided, single submitter. Criteria: Invitae Variant Classification Sherloc (09022015). Collection method: clinical testing. Allele origin: germline.

GeneDx
Classification: Likely benign. Last evaluated: 2017-11-30. Review status: criteria provided, single submitter. Criteria: GeneDx Variant Classification (06012015). Collection method: clinical testing. Allele origin: germline. Affected: yes.
Comment: This variant is considered likely benign or benign based on one or more of the following criteria: it is a conservative change, it occurs at a poorly conserved position in the protein, it is predicted to be benign by multiple in silico algorithms, and/or has population frequency not consistent with disease.

PreventionGenetics, part of Exact Sciences
Classification: Likely benign for TARS2-related condition. Last evaluated: 2020-03-27. Review status: no assertion criteria provided. Collection method: clinical testing. Allele origin: germline. Not counted in ClinVar's aggregate classification.
Comment: This variant is classified as likely benign based on ACMG/AMP sequence variant interpretation guidelines (Richards et al. 2015 PMID: 25741868, with internal and published modifications).

NM_025150.5(TARS2):c.1353G>A (p.Leu451=)

Gene: TARS2 (threonyl-tRNA synthetase 2, mitochondrial; plus strand). Cytogenetic location: 1q21.2.
Variant type: single nucleotide variant.
Coding change: c.1353G>A on transcript NM_025150.5 (MANE Select); coding-DNA position 1353, G replaced by A.
Protein change: p.Leu451=; no amino-acid change (leucine 451 retained).
Molecular consequence: synonymous variant. On other transcripts: non-coding transcript variant (2).
Genome position (GRCh38, 1-based): chr1:150,498,616, G>A. VCF-style: chr1-150498616-G-A. GRCh37 (hg19) VCF-style: chr1-150471092-G-A.
Other names: c.1107G>A, p.Leu369= (NM_001271895.2); c.963G>A, p.Leu321= (NM_001271896.2).
Identifiers: ClinVar variation 513487 (VCV000513487.9), dbSNP rs776320671, ClinGen allele CA1076987.
Genomic context (GRCh38, chr1:150,498,616, plus strand): 5'-TGACTTTGGGGCTCTACACCGGGCCGAAGCCTCTGGTGGTCTGGGGGGACTGACCCGACT[G>A]CGGTGCTTCCAGCAGGATGACGCTCACATCTTCTGTACAACAGATCAGGTGGCCTTTCCC-3'
Protein context (NP_079426.2, residues 441-461): ASGGLGGLTR[Leu451=]RCFQQDDAHI